The following is an entry in ClinVar:

ClinVar aggregate classification (germline): Uncertain significance (1 of 4 stars; one submission).

Submission:

Labcorp Genetics (formerly Invitae), Labcorp
Classification: Uncertain significance. Last evaluated: 2023-11-27. Review status: criteria provided, single submitter. Criteria: Invitae Variant Classification Sherloc (09022015). Collection method: clinical testing. Allele origin: germline.
Comment: This sequence change creates a premature translational stop signal (p.Gly382Glufs*57) in the FSCN2 gene. While this is not anticipated to result in nonsense mediated decay, it is expected to disrupt the last 135 amino acid(s) of the FSCN2 protein. Information on the frequency of this variant in the gnomAD database is not available, as this variant may be reported differently in the database. This variant has not been reported in the literature in individuals affected with FSCN2-related conditions. Experimental studies and prediction algorithms are not available or were not evaluated, and the functional significance of this variant is currently unknown. In summary, the available evidence is currently insufficient to determine the role of this variant in disease. Therefore, it has been classified as a Variant of Uncertain Significance.

NM_012418.4(FSCN2):c.1106-33_1106-31delinsAA

Gene: FSCN2 (fascin actin-bundling protein 2, retinal; plus strand). Cytogenetic location: 17q25.3.
Variant type: Indel.
Coding change: c.1106-33_1106-31delinsAA on transcript NM_012418.4 (MANE Select); 33 bases into the intron before coding-DNA position 1106 through 31 bases into the intron before coding-DNA position 1106, GAG replaced by AA.
Molecular consequence: intron variant. On other transcripts: frameshift variant (1).
Genome position (GRCh38, 1-based): chr17:81,536,589-81,536,591, GAG replaced by AA. VCF-style: chr17-81536589-GAG-AA. GRCh37 (hg19) VCF-style: chr17-79503615-GAG-AA.
Other names: c.1145_1147delinsAA, p.Gly382fs (NM_001077182.3); short protein forms G382fs.
Identifiers: ClinVar variation 970483 (VCV000970483.6), dbSNP rs2032885403, ClinGen allele CA1139665931.
Genomic context (GRCh38, chr17:81,536,589, plus strand): 5'-TCCAGGTGTGGCGTTTCCCAGGGCCCCCACCCCGCCCGGCCTGGACAGGGAAGGTGGCGG[GAG>AA]GGGCAGCGCAGCAGACGCTCTCCCCGCCAGGCAAGGACGAAGAGTTCACCCTCAAGCTCA-3'